The following is an entry in ClinVar:

NM_000398.7(CYB5R3):c.775C>T (p.Arg259Trp)

Gene: CYB5R3 (cytochrome b5 reductase 3; minus strand). Cytogenetic location: 22q13.2.
Variant type: single nucleotide variant.
Coding change: c.775C>T on transcript NM_000398.7 (MANE Select); coding-DNA position 775, C replaced by T.
Protein change: p.Arg259Trp; replaces arginine 259 with tryptophan.
Molecular consequence: missense variant.
Genome position (GRCh38, 1-based): chr22:42,619,904, G>A on the plus strand (C>T on the coding strand, the complement: CYB5R3 is on the minus strand). VCF-style: chr22-42619904-G-A. GRCh37 (hg19) VCF-style: chr22-43015910-G-A.
Other names: c.775C>T (NM_000398.6); c.775C>T, p.Arg259Trp (NM_001031678.1); c.706C>T, p.Arg236Trp (NM_001129819.2, NM_001171661.1, NM_007326.4); c.874C>T, p.Arg292Trp (NM_001171660.2); short protein forms R236W, R292W, R259W.
Identifiers: ClinVar variation 2731634 (VCV002731634.5), dbSNP rs139299188, ClinGen allele CA10269580.

ClinVar aggregate classification (germline): Conflicting classifications of pathogenicity. Review status: criteria provided, conflicting classifications (1 of 4 stars). 3 submissions from 3 submitters: Likely pathogenic (1); Uncertain significance (2). Last evaluated 2025-09-17.

Conditions:
CYB5R3-related disorder. Also called: CYB5R3-related condition.
Deficiency of cytochrome-b5 reductase. Also called: METHEMOGLOBINEMIA, CONGENITAL, AUTOSOMAL RECESSIVE; NADH-DEPENDENT METHEMOGLOBIN REDUCTASE DEFICIENCY. Identifiers: Orphanet 621, MedGen C0268193, MONDO:0009606, OMIM 250800.

Allele frequency attached by ClinVar (database versions not stated): gnomAD exomes 0.00002; ExAC 0.00006; ESP Exome Variant Server 0.00008; gnomAD 0.00017; TOPMed 0.00037.
gnomAD v4.1: 57 of 1,607,638 alleles (0.0035%); highest among the groups gnomAD compares: Admixed American, 0.054%; 1 homozygote.

Submissions (3):

PreventionGenetics, part of Exact Sciences
Classification: Likely pathogenic for CYB5R3-related condition. Last evaluated: 2025-09-17. Review status: criteria provided, single submitter. Criteria: ACMG Guidelines, 2015. Collection method: clinical testing. Allele origin: germline.
Comment: The CYB5R3 c.775C>T variant is predicted to result in the amino acid substitution p.Arg259Trp. This variant, also reported as c.29951C>T (p.Arg258Trp) using legacy nomenclature, has been reported in two patients with type I methemoglobinemia with corresponding cytochrome B5 reductase laboratory findings (Maran et al 2005. PubMed ID: 15921385; Reading NS et al 2017. PubMed ID: 281954340). We have also detected this variant in the homozygous state in two individuals undergoing testing for methemoglobinemia at PreventionGenetics (Internal Data). This variant is reported in 0.017% of alleles in individuals of African descent in gnomAD. This variant is interpreted as likely pathogenic.

Labcorp Genetics (formerly Invitae), Labcorp
Classification: Uncertain significance. Last evaluated: 2025-01-11. Review status: criteria provided, single submitter. Criteria: Invitae Variant Classification Sherloc (09022015). Collection method: clinical testing. Allele origin: germline.
Comment: This sequence change replaces arginine, which is basic and polar, with tryptophan, which is neutral and slightly polar, at codon 259 of the CYB5R3 protein (p.Arg259Trp). This variant is present in population databases (rs139299188, gnomAD 0.02%). This missense change has been observed in individual(s) with clinical features of methemoglobinemia (PMID: 28195434). This variant is also known as p.Arg258Trp. ClinVar contains an entry for this variant (Variation ID: 2731634). Invitae Evidence Modeling of protein sequence and biophysical properties (such as structural, functional, and spatial information, amino acid conservation, physicochemical variation, residue mobility, and thermodynamic stability) indicates that this missense variant is expected to disrupt CYB5R3 protein function with a positive predictive value of 95%. In summary, the available evidence is currently insufficient to determine the role of this variant in disease. Therefore, it has been classified as a Variant of Uncertain Significance.

Revvity Omics, Revvity
Classification: Uncertain significance for Deficiency of cytochrome-b5 reductase. Last evaluated: 2024-05-29. Review status: criteria provided, single submitter. Criteria: ACMG Guidelines, 2015. Collection method: clinical testing. Allele origin: germline.

Literature cited by the submitters: PubMed 28195434 (cited by Labcorp Genetics (formerly Invitae), Labcorp).